The following is an entry in ClinVar:

NM_032578.4(MYPN):c.3935G>A (p.Arg1312Gln)

Gene: MYPN (myopalladin; plus strand). Cytogenetic location: 10q21.3.
Variant type: single nucleotide variant.
Coding change: c.3935G>A on transcript NM_032578.4 (MANE Select); coding-DNA position 3935, G replaced by A.
Protein change: p.Arg1312Gln; replaces arginine 1312 with glutamine.
Molecular consequence: missense variant. On other transcripts: non-coding transcript variant (2).
Genome position (GRCh38, 1-based): chr10:68,210,427, G>A. VCF-style: chr10-68210427-G-A. GRCh37 (hg19) VCF-style: chr10-69970184-G-A.
Other names: c.3935G>A, p.Arg1312Gln (NM_001256267.2); c.3053G>A, p.Arg1018Gln (NM_001256268.2); short protein forms R1312Q, R1018Q.
Identifiers: ClinVar variation 264277 (VCV000264277.13), dbSNP rs761812034, ClinGen allele CA5523190.

ClinVar aggregate classification (germline): Conflicting classifications of pathogenicity. Review status: criteria provided, conflicting classifications (1 of 4 stars). 5 submissions from 5 submitters: Uncertain significance (4); Likely benign (1). Last evaluated 2025-10-22.

Conditions:
MYPN-related disorder. Also called: MYPN-related condition.
Cardiovascular phenotype. Identifiers: MedGen CN230736.
Dilated cardiomyopathy 1KK (CMD1KK). Identifiers: Orphanet 154, Orphanet 75249, MedGen C3714995, MONDO:0014100, OMIM 615248.

Allele frequency attached by ClinVar (database versions not stated): TOPMed 0.00005; gnomAD 0.00011.
gnomAD v4.1: 54 of 1,613,972 alleles (0.0033%); highest among the groups gnomAD compares: Admixed American, 0.02%; no homozygotes.

Submissions (5):

Ambry Genetics
Classification: Likely benign for Cardiovascular phenotype. Last evaluated: 2025-10-22. Review status: criteria provided, single submitter. Criteria: Ambry Variant Classification Scheme 2023. Collection method: clinical testing. Allele origin: germline.

PreventionGenetics, part of Exact Sciences
Classification: Uncertain significance for MYPN-related condition. Last evaluated: 2025-03-20. Review status: criteria provided, single submitter. Criteria: ACMG Guidelines, 2015. Collection method: clinical testing. Allele origin: germline.
Comment: The MYPN c.3935G>A variant is predicted to result in the amino acid substitution p.Arg1312Gln. To our knowledge, this variant has not been reported in the literature. An alternate substitution impacting the same amino acid (p.Arg1312Trp) has been reported in an individual with dilated cardiomyopathy (Supplementary File 2, van Lint et al. 2019. PubMed ID: 30847666). This variant is reported in 0.0080% of alleles in individuals of African descent in gnomAD. At this time, the clinical significance of this variant is uncertain due to the absence of conclusive functional and genetic evidence.

Labcorp Genetics (formerly Invitae), Labcorp
Classification: Uncertain significance for Dilated cardiomyopathy 1KK. Last evaluated: 2022-08-23. Review status: criteria provided, single submitter. Criteria: Invitae Variant Classification Sherloc (09022015). Collection method: clinical testing. Allele origin: germline.
Comment: This sequence change replaces arginine, which is basic and polar, with glutamine, which is neutral and polar, at codon 1312 of the MYPN protein (p.Arg1312Gln). This variant is present in population databases (rs761812034, gnomAD 0.008%). This variant has not been reported in the literature in individuals affected with MYPN-related conditions. ClinVar contains an entry for this variant (Variation ID: 264277). Algorithms developed to predict the effect of missense changes on protein structure and function output the following: SIFT: "Tolerated"; PolyPhen-2: "Benign"; Align-GVGD: "Class C0". The glutamine amino acid residue is found in multiple mammalian species, which suggests that this missense change does not adversely affect protein function. In summary, the available evidence is currently insufficient to determine the role of this variant in disease. Therefore, it has been classified as a Variant of Uncertain Significance.

Molecular Diagnostic Laboratory for Inherited Cardiovascular Disease, Montreal Heart Institute
Classification: Uncertain significance. Last evaluated: 2017-06-16. Review status: criteria provided, single submitter. Criteria: ACMG Guidelines, 2015. Collection method: clinical testing. Allele origin: germline. Affected: yes.

Breakthrough Genomics
Classification: Uncertain significance. Review status: criteria provided, single submitter. Criteria: ACMG Guidelines, 2015. Collection method: not provided. Allele origin: germline. Inheritance: Autosomal recessive inheritance. Affected: yes.